The following is an entry in ClinVar:

NM_001127208.3(TET2):c.562A>G (p.Lys188Glu)

Genes: TET2 (tet methylcytosine dioxygenase 2; plus strand), TET2-AS1 (TET2 antisense RNA 1; minus strand). Cytogenetic location: 4q24.
Variant type: single nucleotide variant.
Coding change: c.562A>G on transcript NM_001127208.3 (MANE Select); coding-DNA position 562, A replaced by G.
Protein change: p.Lys188Glu; replaces lysine 188 with glutamic acid.
Molecular consequence: missense variant.
Genome position (GRCh38, 1-based): chr4:105,234,504, A>G. VCF-style: chr4-105234504-A-G. GRCh37 (hg19) VCF-style: chr4-106155661-A-G.
Other names: c.562A>G, p.Lys188Glu (NM_017628.4); short protein forms K188E.
Identifiers: ClinVar variation 3967614 (VCV003967614.1).

ClinVar aggregate classification (germline): Uncertain significance (1 of 4 stars; one submission).

gnomAD v4.1: 3 of 1,614,102 alleles (0.00019%); highest among the groups gnomAD compares: Non-Finnish European, 0.00025%; no homozygotes.

Submission:

Ambry Genetics
Classification: Uncertain significance. Last evaluated: 2025-05-04. Review status: criteria provided, single submitter. Criteria: Ambry Variant Classification Scheme 2023. Collection method: clinical testing. Allele origin: germline.
Comment: The p.K188E variant (also known as c.562A>G), located in coding exon 1 of the TET2 gene, results from an A to G substitution at nucleotide position 562. The lysine at codon 188 is replaced by glutamic acid, an amino acid with similar properties. This amino acid position is conserved. In addition, this alteration is predicted to be tolerated by in silico analysis. Based on the available evidence, the clinical significance of this variant remains unclear.